The following is an entry in ClinVar:

NM_001042413.2(GLIS3):c.*1116G>A

Gene: GLIS3 (GLIS family zinc finger 3; minus strand). Cytogenetic location: 9p24.2.
Variant type: single nucleotide variant.
Coding change: c.*1116G>A on transcript NM_001042413.2 (MANE Select); 1116 bases downstream of the stop codon, G replaced by A.
Molecular consequence: 3 prime UTR variant.
Genome position (GRCh38, 1-based): chr9:3,827,156, C>T on the plus strand (G>A on the coding strand, the complement: GLIS3 is on the minus strand). VCF-style: chr9-3827156-C-T. GRCh37 (hg19) VCF-style: chr9-3827156-C-T.
Other names: c.*1116G>A (NM_152629.4).
Identifiers: ClinVar variation 913145 (VCV000913145.4), dbSNP rs150411858, ClinGen allele CA188256579.
Genomic context (GRCh38, chr9:3,827,156, plus strand): 5'-CAGACAATGGCGGCTGGTGGGGATATATGAACCACAGTCAGGAAGAGGGTAAGAGGGATG[C>T]AAAAAGAGGGTGGAGAGAAGTGTAGGGAAGAGACAGACAGATGAGTGGATATCCTGAAAA-3'

ClinVar aggregate classification (germline): Likely benign (1 of 4 stars; one submission).

Conditions:
Neonatal diabetes mellitus with congenital hypothyroidism. Also called: NDH SYNDROME. Identifiers: Orphanet 79118, MedGen C1857775, MONDO:0012436, OMIM 610199.

Allele frequency attached by ClinVar (database versions not stated): gnomAD 0.00133 and 0.00139; TOPMed 0.00141; 1000 Genomes Project 0.00240; 1000 Genomes Project 30x 0.00265.

Submission:

Illumina Laboratory Services, Illumina
Classification: Likely benign for Neonatal diabetes mellitus with congenital hypothyroidism. Last evaluated: 2018-01-13. Review status: criteria provided, single submitter. Criteria: ICSL Variant Classification Criteria 13 December 2019. Collection method: clinical testing. Allele origin: germline.
Comment: This variant was observed in the ICSL laboratory as part of a predisposition screen in an ostensibly healthy population. It had not been previously curated by ICSL or reported in the Human Gene Mutation Database (HGMD: prior to June 1st, 2018), and was therefore a candidate for classification through an automated scoring system. Utilizing variant allele frequency, disease prevalence and penetrance estimates, and inheritance mode, an automated score was calculated to assess if this variant is too frequent to cause the disease. Based on the score and internal cut-off values, a variant classified as likely benign is not then subjected to further curation. The score for this variant resulted in a classification of likely benign for this disease.